The following is an entry in ClinVar:

NM_018942.3(HMX1):c.667G>C (p.Asp223His)

Gene: HMX1 (H6 family homeobox 1; minus strand). Cytogenetic location: 4p16.1.
Variant type: single nucleotide variant.
Coding change: c.667G>C on transcript NM_018942.3 (MANE Select); coding-DNA position 667, G replaced by C.
Protein change: p.Asp223His; replaces aspartic acid 223 with histidine.
Molecular consequence: missense variant. On other transcripts: intron variant (1).
Genome position (GRCh38, 1-based): chr4:8,868,073, C>G on the plus strand (G>C on the coding strand, the complement: HMX1 is on the minus strand). VCF-style: chr4-8868073-C-G. GRCh37 (hg19) VCF-style: chr4-8869799-C-G.
Other names: c.394+3148G>C (NM_001306142.2); short protein forms D223H.
Identifiers: ClinVar variation 2094976 (VCV002094976.4), dbSNP rs1252628929, ClinGen allele CA356278077.

ClinVar aggregate classification (germline): Uncertain significance (1 of 4 stars; one submission).

Submission:

Labcorp Genetics (formerly Invitae), Labcorp
Classification: Uncertain significance. Last evaluated: 2023-08-04. Review status: criteria provided, single submitter. Criteria: Invitae Variant Classification Sherloc (09022015). Collection method: clinical testing. Allele origin: germline.
Comment: This variant has not been reported in the literature in individuals affected with HMX1-related conditions. This variant is not present in population databases (gnomAD no frequency). ClinVar contains an entry for this variant (Variation ID: 2094976). Advanced modeling of protein sequence and biophysical properties (such as structural, functional, and spatial information, amino acid conservation, physicochemical variation, residue mobility, and thermodynamic stability) performed at Invitae indicates that this missense variant is not expected to disrupt HMX1 protein function. This sequence change replaces aspartic acid, which is acidic and polar, with histidine, which is basic and polar, at codon 223 of the HMX1 protein (p.Asp223His). In summary, the available evidence is currently insufficient to determine the role of this variant in disease. Therefore, it has been classified as a Variant of Uncertain Significance.